The following is an entry in ClinVar:

ClinVar aggregate classification (germline): Uncertain significance (1 of 4 stars; one submission).

Conditions:
Joubert syndrome 21 (JBTS21). Identifiers: MedGen C3810212, MONDO:0014288, OMIM 615636.

Allele frequency attached by ClinVar (database versions not stated): gnomAD exomes below 0.00001.

Submission:

Labcorp Genetics (formerly Invitae), Labcorp
Classification: Uncertain significance for Joubert syndrome 21. Last evaluated: 2022-07-06. Review status: criteria provided, single submitter. Criteria: Invitae Variant Classification Sherloc (09022015). Collection method: clinical testing. Allele origin: germline.
Comment: In summary, the available evidence is currently insufficient to determine the role of this variant in disease. Therefore, it has been classified as a Variant of Uncertain Significance. Experimental studies and prediction algorithms are not available or were not evaluated, and the functional significance of this variant is currently unknown. This variant has not been reported in the literature in individuals affected with CSPP1-related conditions. This variant is not present in population databases (gnomAD no frequency). This variant, c.3462_3464dup, results in the insertion of 1 amino acid(s) of the CSPP1 protein (p.Glu1154_Ser1155insArg), but otherwise preserves the integrity of the reading frame.

NM_001382391.1(CSPP1):c.3477_3479dup (p.Glu1159_Ser1160insArg)

Genes: ARFGEF1 (ARF guanine nucleotide exchange factor 1; minus strand), CSPP1 (centrosome and spindle pole associated protein 1; plus strand). Cytogenetic location: 8q13.2.
Variant type: Duplication.
Coding change: c.3477_3479dup on transcript NM_001382391.1 (MANE Select); coding-DNA positions 3477 to 3479, 3 bases duplicated (GAG; older notation c.3477_3479dupGAG).
Protein change: p.Glu1159_Ser1160insArg.
Molecular consequence: inframe insertion. On other transcripts: intron variant (2).
Genome position (GRCh38, 1-based): chr8:67,195,389-67,195,391, GAG duplicated. VCF-style (leftmost placement, unchanged base first): chr8-67195388-A-AGAG. GRCh37 (hg19) VCF-style: chr8-68107623-A-AGAG.
Other names: c.2427_2429dup, p.Glu809_Ser810insArg (NM_001291339.2); c.3396_3398dup, p.Glu1132_Ser1133insArg (NM_001363131.2); c.3282_3284dup, p.Glu1094_Ser1095insArg (NM_001363132.2); c.3201_3203dup, p.Glu1067_Ser1068insArg (NM_001363133.2); c.3543_3545dup, p.Glu1181_Ser1182insArg (NM_001364869.1); c.3363_3365dup, p.Glu1121_Ser1122insArg (NM_001364870.1); c.3309_3311dup, p.Glu1103_Ser1104insArg (NM_001438330.1); c.3323_3325dup, p.Arg1108_Val1109insGly (NM_001438331.1); and 4 more.
Identifiers: ClinVar variation 2038218 (VCV002038218.3), dbSNP rs2491085391, ClinGen allele CA2580078900.